The following is an entry in ClinVar:

ClinVar aggregate classification (germline): Uncertain significance (1 of 4 stars; one submission).

Conditions:
Progressive familial heart block type IB (PFHB1B). Identifiers: Orphanet 871, MedGen C1970298, MONDO:0011474, OMIM 604559.

Allele frequency attached by ClinVar (database versions not stated): TOPMed below 0.00001.
gnomAD v4.1: 1 of 1,614,188 alleles (0.000062%); highest among the groups gnomAD compares: Middle Eastern, 0.016%; no homozygotes.

Submission:

Labcorp Genetics (formerly Invitae), Labcorp
Classification: Uncertain significance for Progressive familial heart block type IB. Last evaluated: 2023-05-23. Review status: criteria provided, single submitter. Criteria: Invitae Variant Classification Sherloc (09022015). Collection method: clinical testing. Allele origin: germline.
Comment: This variant has not been reported in the literature in individuals affected with TRPM4-related conditions. In summary, the available evidence is currently insufficient to determine the role of this variant in disease. Therefore, it has been classified as a Variant of Uncertain Significance. An algorithm developed to predict the effect of missense changes on protein structure and function (PolyPhen-2) suggests that this variant is likely to be tolerated. This variant is not present in population databases (gnomAD no frequency). This sequence change replaces alanine, which is neutral and non-polar, with glycine, which is neutral and non-polar, at codon 1117 of the TRPM4 protein (p.Ala1117Gly).

NM_017636.4(TRPM4):c.3350C>G (p.Ala1117Gly)

Gene: TRPM4 (transient receptor potential cation channel subfamily M member 4; plus strand). Cytogenetic location: 19q13.33.
Variant type: single nucleotide variant.
Coding change: c.3350C>G on transcript NM_017636.4 (MANE Select); coding-DNA position 3350, C replaced by G.
Protein change: p.Ala1117Gly; replaces alanine 1117 with glycine.
Molecular consequence: missense variant.
Genome position (GRCh38, 1-based): chr19:49,210,731, C>G. VCF-style: chr19-49210731-C-G. GRCh37 (hg19) VCF-style: chr19-49713988-C-G.
Other names: c.2915C>G, p.Ala972Gly (NM_001195227.2); c.3005C>G, p.Ala1002Gly (NM_001321281.2); c.1742C>G, p.Ala581Gly (NM_001321282.2); c.2828C>G, p.Ala943Gly (NM_001321283.2); c.2288C>G, p.Ala763Gly (NM_001321285.2); short protein forms A943G, A581G, A763G, A972G, A1002G, A1117G.
Identifiers: ClinVar variation 2965733 (VCV002965733.3), dbSNP rs757255259, ClinGen allele CA406772939.